The following is an entry in ClinVar:

ClinVar aggregate classification (germline): Uncertain significance. Review status: criteria provided, multiple submitters, no conflicts (2 of 4 stars). 4 submissions from 4 submitters: Uncertain significance (4). Last evaluated 2024-05-17.

Conditions:
Microcephaly 2, primary, autosomal recessive, with or without cortical malformations. Also called: MICROCEPHALY 2, PRIMARY, AUTOSOMAL RECESSIVE, WITH CORTICAL MALFORMATIONS; WDR62 Primary Microcephaly. Identifiers: Orphanet 2512, MedGen C1858535, MONDO:0011435, OMIM 604317.

Allele frequency attached by ClinVar (database versions not stated): ESP Exome Variant Server 0.00008.
gnomAD v4.1: 29 of 1,601,510 alleles (0.0018%); highest among the groups gnomAD compares: Non-Finnish European, 0.0023%; no homozygotes.

Submissions (4):

Broad Center for Mendelian Genomics, Broad Institute of MIT and Harvard
Classification: Uncertain significance for Microcephaly 2, primary, autosomal recessive, with or without cortical malformations. Last evaluated: 2024-05-17. Review status: criteria provided, single submitter. Criteria: ACMG Guidelines, 2015. Collection method: curation. Allele origin: germline. Inheritance: Autosomal recessive inheritance.
Comment: The variant has been identified in 0.002% (27/1173580) of European (non-Finnish) chromosomes by the Genome Aggregation Database (gnomAD; dbSNP (rs375417358)). Although this variant has been seen in the general population in a heterozygous state, its frequency is not high enough to rule out a pathogenic role. This variant has been reported in ClinVar (Variation ID: 1435927) and has been interpreted as uncertain significance by three submitters. Computational prediction tools and conservation analyses suggest that this variant may impact the protein, though this information is not predictive enough to determine pathogenicity. In summary, the clinical significance of the p.Arg512Leu variant is uncertain. ACMG/AMP Criteria applied: PM2_Supporting, PP3 (Richards 2015).

GeneDx
Classification: Uncertain significance. Last evaluated: 2023-02-16. Review status: criteria provided, single submitter. Criteria: GeneDx Variant Classification Process June 2021. Collection method: clinical testing. Allele origin: germline. Affected: yes.
Comment: Not observed at significant frequency in large population cohorts (gnomAD); In silico analysis supports that this missense variant has a deleterious effect on protein structure/function; Has not been previously published as pathogenic or benign to our knowledge

Labcorp Genetics (formerly Invitae), Labcorp
Classification: Uncertain significance. Last evaluated: 2022-12-06. Review status: criteria provided, single submitter. Criteria: Invitae Variant Classification Sherloc (09022015). Collection method: clinical testing. Allele origin: germline.
Comment: ClinVar contains an entry for this variant (Variation ID: 1435927). This variant has not been reported in the literature in individuals affected with WDR62-related conditions. The frequency data for this variant in the population databases is considered unreliable, as metrics indicate poor data quality at this position in the gnomAD database. This sequence change replaces arginine, which is basic and polar, with leucine, which is neutral and non-polar, at codon 512 of the WDR62 protein (p.Arg512Leu). Advanced modeling of protein sequence and biophysical properties (such as structural, functional, and spatial information, amino acid conservation, physicochemical variation, residue mobility, and thermodynamic stability) performed at Invitae indicates that this missense variant is expected to disrupt WDR62 protein function. In summary, the available evidence is currently insufficient to determine the role of this variant in disease. Therefore, it has been classified as a Variant of Uncertain Significance. Algorithms developed to predict the effect of sequence changes on RNA splicing suggest that this variant may disrupt the consensus splice site.

Fulgent Genetics
Classification: Uncertain significance for Microcephaly 2, primary, autosomal recessive, with or without cortical malformations. Last evaluated: 2022-02-03. Review status: criteria provided, single submitter. Criteria: ACMG Guidelines, 2015. Collection method: clinical testing. Allele origin: unknown.

NM_001083961.2(WDR62):c.1535G>T (p.Arg512Leu)

Gene: WDR62 (WD repeat domain 62; plus strand). Cytogenetic location: 19q13.12.
Variant type: single nucleotide variant.
Coding change: c.1535G>T on transcript NM_001083961.2 (MANE Select); coding-DNA position 1535, G replaced by T.
Protein change: p.Arg512Leu; replaces arginine 512 with leucine.
Molecular consequence: missense variant.
Genome position (GRCh38, 1-based): chr19:36,083,226, G>T. VCF-style: chr19-36083226-G-T. GRCh37 (hg19) VCF-style: chr19-36574128-G-T.
Other names: NM_001083961.2(WDR62):c.1535G>T; p.Arg512Leu; c.1535G>T (NM_001083961.1); c.1535G>T, p.Arg512Leu (NM_173636.5); short protein forms R512L.
Identifiers: ClinVar variation 1435927 (VCV001435927.6), dbSNP rs375417358, ClinGen allele CA307866279.